The following is an entry in ClinVar:

ClinVar aggregate classification (germline): Pathogenic. Review status: reviewed by expert panel (3 of 4 stars). 2 submissions from 2 submitters: Pathogenic (1). 1 of the submissions does not count toward it. Last evaluated 2024-03-08.

Conditions:
Severe combined immunodeficiency due to DCLRE1C deficiency (RS-SCID). Also called: SCID, AUTOSOMAL RECESSIVE, T CELL-NEGATIVE, B CELL-NEGATIVE, NK CELL-POSITIVE, WITH SENSITIVITY TO IONIZING RADIATION. Identifiers: Orphanet 275, MedGen C1865371, MONDO:0011225, OMIM 602450.

Submissions (2):

ClinGen Severe Combined Immunodeficiency Variant Curation Expert Panel, ClinGen
Classification: Pathogenic for Severe combined immunodeficiency due to DCLRE1C deficiency. Last evaluated: 2024-03-08. Review status: reviewed by expert panel. Criteria: ClinGen SCID ACMG Specifications DCLRE1C V1.0.0. Collection method: curation. Allele origin: germline. Inheritance: Autosomal recessive inheritance.
Comment: The c.522C>G (p.Tyr174Ter)(NM_001033855.3) variant in DCLRE1C is a nonsense variant predicted to cause a premature stop codon in biologically relevant exon 7/14 leading to nonsense-mediated decay in a gene in which loss-of-function is an established disease mechanism (PVS1 is met). This variant is absent from gnomAD v4 (PM2_Supporting). One patient reported in the literature is homozygous for this variant, 0.5 pts, PM3_Supporting. In summary, this variant meets the criteria to be classified as Pathogenic for autosomal recessive severe combined immunodeficiency due to DCLRE1C deficiency based on the ACMG/AMP criteria applied, as specified by the ClinGen SCID VCEP: PVS1, PM2_Supporting, PM3_Supporting, and PP4_Supporting (VCEP specifications version 1).

Labcorp Genetics (formerly Invitae), Labcorp
Classification: Pathogenic for Athabaskan severe combined immunodeficiency. Last evaluated: 2018-10-20. Review status: criteria provided, single submitter. Criteria: Invitae Variant Classification Sherloc (09022015). Collection method: clinical testing. Allele origin: germline. Not counted in ClinVar's aggregate classification.
Comment: For these reasons, this variant has been classified as Pathogenic. Loss-of-function variants in DCLRE1C are known to be pathogenic (PMID: 21664875, 26123418). This variant has not been reported in the literature in individuals with DCLRE1C-related disease. This variant is not present in population databases (ExAC no frequency). This sequence change creates a premature translational stop signal (p.Tyr174*) in the DCLRE1C gene. It is expected to result in an absent or disrupted protein product.

Literature cited by the submitters: PubMed 21664875 (cited by Labcorp Genetics (formerly Invitae), Labcorp); PubMed 26123418 (cited by Labcorp Genetics (formerly Invitae), Labcorp).

NM_001033855.3(DCLRE1C):c.522C>G (p.Tyr174Ter)

Gene: DCLRE1C (DNA cross-link repair 1C; minus strand). Cytogenetic location: 10p13.
Variant type: single nucleotide variant.
Coding change: c.522C>G on transcript NM_001033855.3 (MANE Select); coding-DNA position 522, C replaced by G.
Protein change: p.Tyr174Ter; replaces tyrosine 174 with a stop codon.
Molecular consequence: nonsense. On other transcripts: non-coding transcript variant (4).
Genome position (GRCh38, 1-based): chr10:14,934,718, G>C on the plus strand (C>G on the coding strand, the complement: DCLRE1C is on the minus strand). VCF-style: chr10-14934718-G-C. GRCh37 (hg19) VCF-style: chr10-14976717-G-C.
Other names: NM_001033855.3(DCLRE1C):c.522C>G; p.Tyr174Ter; c.162C>G, p.Tyr54Ter (NM_001033857.3, NM_001033858.3, NM_001289077.2 and 2 more transcripts); c.177C>G, p.Tyr59Ter (NM_001289076.2, NM_001289078.2, NM_001350966.2 and 1 more transcripts); c.522C>G, p.Tyr174Ter (NM_001350965.2); short protein forms Y59*, Y174*, Y54*.
Identifiers: ClinVar variation 657472 (VCV000657472.6), dbSNP rs1340132582, ClinGen allele CA376059856.